The following is an entry in ClinVar:

NM_020461.4(TUBGCP6):c.2594C>T (p.Thr865Ile)

Gene: TUBGCP6 (tubulin gamma complex component 6; minus strand). Cytogenetic location: 22q13.33.
Variant type: single nucleotide variant.
Coding change: c.2594C>T on transcript NM_020461.4 (MANE Select); coding-DNA position 2594, C replaced by T.
Protein change: p.Thr865Ile; replaces threonine 865 with isoleucine.
Molecular consequence: missense variant.
Genome position (GRCh38, 1-based): chr22:50,221,765, G>A on the plus strand (C>T on the coding strand, the complement: TUBGCP6 is on the minus strand). VCF-style: chr22-50221765-G-A. GRCh37 (hg19) VCF-style: chr22-50660194-G-A.
Other names: short protein forms T865I.
Identifiers: ClinVar variation 3668266 (VCV003668266.2).
Genomic context (GRCh38, chr22:50,221,765, plus strand): 5'-TCCGCCTGCTGCAGCCCCCTGCCACCAGCCCCCACTGCTAGAGGCTTAAGGGGCTGTGGG[G>A]TCAGCAGGCCTGGCCTGTTCCAGCCATCCCAGGCAGGCGAGTGTTGCTCTGCAGACCCAG-3'
Protein context (NP_065194.3, residues 855-875): WDGWNRPGLL[Thr865Ile]PQPLKPLAVG

ClinVar aggregate classification (germline): Uncertain significance (1 of 4 stars; one submission).

gnomAD v4.1: 1 of 1,514,456 alleles (0.000066%); highest among the groups gnomAD compares: South Asian, 0.0013%; no homozygotes.

Submission:

Labcorp Genetics (formerly Invitae), Labcorp
Classification: Uncertain significance. Last evaluated: 2024-08-23. Review status: criteria provided, single submitter. Criteria: Invitae Variant Classification Sherloc (09022015). Collection method: clinical testing. Allele origin: germline.
Comment: This sequence change replaces threonine, which is neutral and polar, with isoleucine, which is neutral and non-polar, at codon 865 of the TUBGCP6 protein (p.Thr865Ile). This variant is not present in population databases (gnomAD no frequency). This variant has not been reported in the literature in individuals affected with TUBGCP6-related conditions. An algorithm developed to predict the effect of missense changes on protein structure and function (PolyPhen-2) suggests that this variant is likely to be tolerated. In summary, the available evidence is currently insufficient to determine the role of this variant in disease. Therefore, it has been classified as a Variant of Uncertain Significance.